The following is an entry in ClinVar:

NM_005228.5(EGFR):c.2284-4C>G

Genes: EGFR (epidermal growth factor receptor; plus strand), EGFR-AS1 (EGFR antisense RNA 1; minus strand). Cytogenetic location: 7p11.2.
Variant type: single nucleotide variant.
Coding change: c.2284-4C>G on transcript NM_005228.5 (MANE Select); 4 bases into the intron before coding-DNA position 2284, C replaced by G.
Molecular consequence: intron variant. On other transcripts: non-coding transcript variant (1).
Genome position (GRCh38, 1-based): chr7:55,181,289, C>G. VCF-style: chr7-55181289-C-G. GRCh37 (hg19) VCF-style: chr7-55248982-C-G.
Other names: c.2149-4C>G (NM_001346899.2, NM_001346897.2); c.1483-4C>G (NM_001346941.2); c.2284-4C>G (NM_001346898.2, NM_005228.4); c.2125-4C>G (NM_001346900.2).
Identifiers: ClinVar variation 1102025 (VCV001102025.13), dbSNP rs766533982, ClinGen allele CA4266046.

ClinVar aggregate classification (germline): Conflicting classifications of pathogenicity. Review status: criteria provided, conflicting classifications (1 of 4 stars). 5 submissions from 5 submitters: Uncertain significance (1); Likely benign (4). Last evaluated 2026-07-16.

Conditions:
EGFR-related lung cancer (EGFR). Identifiers: MedGen CN130014.
Lung cancer. Also called: Lung cancer, somatic; Malignant tumor of lung. Identifiers: MedGen C0242379, MONDO:0008903, OMIM 211980.
Hereditary cancer-predisposing syndrome. Also called: Tumor predisposition; Hereditary Cancer Syndrome; Neoplastic Syndromes, Hereditary; Hereditary neoplastic syndrome. Identifiers: Orphanet 140162, MedGen C0027672, MeSH D009386, MONDO:0015356.
EGFR-related disorder. Also called: EGFR-related condition.

Allele frequency attached by ClinVar (database versions not stated): ExAC 0.00001; gnomAD 0.00001.
gnomAD v4.1: 21 of 1,614,006 alleles (0.0013%); highest among the groups gnomAD compares: Non-Finnish European, 0.0017%; no homozygotes.

Submissions (5):

PreventionGenetics, part of Exact Sciences
Classification: Likely benign for EGFR-related condition. Last evaluated: 2026-07-16. Review status: criteria provided, single submitter. Criteria: ACMG Guidelines, 2015. Collection method: clinical testing. Allele origin: germline.
Comment: This variant is classified as likely benign based on ACMG/AMP sequence variant interpretation guidelines (Richards et al. 2015 PMID: 25741868, with internal and published modifications).

Labcorp Genetics (formerly Invitae), Labcorp
Classification: Likely benign for EGFR-related lung cancer. Last evaluated: 2026-01-08. Review status: criteria provided, single submitter. Criteria: Invitae Variant Classification Sherloc (09022015). Collection method: clinical testing. Allele origin: germline.

Ambry Genetics
Classification: Likely benign for Hereditary cancer-predisposing syndrome. Last evaluated: 2025-03-17. Review status: criteria provided, single submitter. Criteria: Ambry Variant Classification Scheme 2023. Collection method: clinical testing. Allele origin: germline.

Myriad Genetics, Inc.
Classification: Likely benign for Lung cancer. Last evaluated: 2024-10-16. Review status: criteria provided, single submitter. Criteria: Myriad Autosomal Dominant, Autosomal Recessive and X-Linked Classification Criteria (2023). Collection method: clinical testing. Allele origin: unknown.
Comment: This variant is considered likely benign. This variant is intronic and is not expected to impact mRNA splicing.

Sema4
Classification: Uncertain significance for Hereditary cancer-predisposing syndrome. Last evaluated: 2021-12-27. Review status: criteria provided, single submitter. Criteria: Sema4 Curation Guidelines. Collection method: curation. Allele origin: germline.
Comment: The EGFR c.2284-4C>G variant has not been reported in the literature to our knowledge. It was observed in 7/113064 chromosomes in the Non-Finnish European subpopulation in the large and broad cohorts of the Genome Aggregation Database (PMID: 32461654). This variant has been reported in ClinVar (Variation ID: 1102025). The evidence is insufficient to meet ACMG/AMP criteria for classifying the variant as benign or pathogenic. Thus, the clinical significance of this variant is currently uncertain.